The following is an entry in ClinVar:

ClinVar aggregate classification (germline): Benign. Review status: criteria provided, multiple submitters, no conflicts (2 of 4 stars). 2 submissions from 2 submitters: Benign (2). Last evaluated 2018-06-14.

Allele frequency attached by ClinVar (database versions not stated): 1000 Genomes Project 0.78155; gnomAD exomes 0.78353; gnomAD 0.80342 and 0.80782; 1000 Genomes Project 30x 0.78310; TOPMed 0.80348.
gnomAD v4.1: 478,201 of 606,160 alleles (79%); highest among the groups gnomAD compares: African/African-American, 83%; 189,557 homozygotes.

Submissions (4):

GeneDx
Classification: Benign. Last evaluated: 2018-06-14. Review status: criteria provided, single submitter. Criteria: GeneDx Variant Classification (06012015). Collection method: clinical testing. Allele origin: germline. Affected: yes.
Comment: This variant is considered likely benign or benign based on one or more of the following criteria: it is a conservative change, it occurs at a poorly conserved position in the protein, it is predicted to be benign by multiple in silico algorithms, and/or has population frequency not consistent with disease.

Breakthrough Genomics
Classification: Benign. Review status: criteria provided, single submitter. Criteria: ACMG Guidelines, 2015. Collection method: not provided. Allele origin: germline. Inheritance: Autosomal recessive inheritance. Affected: yes.

Dr. Peter K. Rogan Lab, Western University
No classification provided (evidence only). Condition: Hepatocellular carcinoma. Review status: no classification provided. Collection method: in vitro. Allele origin: not applicable. Functional consequence: retained intron. Not counted in ClinVar's aggregate classification.

Dr. Peter K. Rogan Lab, Western University
No classification provided (evidence only). Condition: Uterine carcinosarcoma. Review status: no classification provided. Collection method: in vitro. Allele origin: not applicable. Functional consequence: retained intron. Not counted in ClinVar's aggregate classification.

NM_003477.3(PDHX):c.965-187G>T

Gene: PDHX (pyruvate dehydrogenase complex component X; plus strand). Cytogenetic location: 11p13.
Variant type: single nucleotide variant.
Coding change: c.965-187G>T on transcript NM_003477.3 (MANE Select); 187 bases into the intron before coding-DNA position 965, G replaced by T.
Molecular consequence: intron variant.
Genome position (GRCh38, 1-based): chr11:34,977,937, G>T. VCF-style: chr11-34977937-G-T. GRCh37 (hg19) VCF-style: chr11-34999484-G-T.
Other names: NC_000011.9:g.34999484G>T; c.785-187G>T (NM_001135024.2); c.343-6633G>T (NM_001166158.2).
Identifiers: ClinVar variation 683431 (VCV000683431.3), dbSNP rs733567, ClinGen allele CA15698133.